The following is an entry in ClinVar:

NM_000094.4(COL7A1):c.1378G>A (p.Val460Met)

Gene: COL7A1 (collagen type VII alpha 1 chain; minus strand). Cytogenetic location: 3p21.31.
Variant type: single nucleotide variant.
Coding change: c.1378G>A on transcript NM_000094.4 (MANE Select); coding-DNA position 1378, G replaced by A.
Protein change: p.Val460Met; replaces valine 460 with methionine.
Molecular consequence: missense variant.
Genome position (GRCh38, 1-based): chr3:48,591,802, C>T on the plus strand (G>A on the coding strand, the complement: COL7A1 is on the minus strand). VCF-style: chr3-48591802-C-T. GRCh37 (hg19) VCF-style: chr3-48629235-C-T.
Other names: short protein forms V460M.
Identifiers: ClinVar variation 2101833 (VCV002101833.1), dbSNP rs2531315545, ClinGen allele CA352735109.
Genomic context (GRCh38, chr3:48,591,802, plus strand): 5'-ACTCAGTGCCCGGCTGCAGCCCATCCAACTGGTAGCGGGTCACATCAGAGGGCAGTACCA[C>T]CTTCTGCGGTGGCTCCAAGCCTGCAAGATAACAGGGTCAGACCAGCAGAGGCCATGCCCT-3'
Protein context (NP_000085.1, residues 450-470): RETGLEPPQK[Val460Met]VLPSDVTRYQ

ClinVar aggregate classification (germline): Uncertain significance (1 of 4 stars; one submission).

Allele frequency attached by ClinVar (database versions not stated): gnomAD exomes below 0.00001.
gnomAD v4.1: 2 of 1,614,194 alleles (0.00012%); highest among the groups gnomAD compares: Non-Finnish European, 0.00017%; no homozygotes.

Submission:

Labcorp Genetics (formerly Invitae), Labcorp
Classification: Uncertain significance. Last evaluated: 2022-08-19. Review status: criteria provided, single submitter. Criteria: Invitae Variant Classification Sherloc (09022015). Collection method: clinical testing. Allele origin: germline.
Comment: This sequence change replaces valine, which is neutral and non-polar, with methionine, which is neutral and non-polar, at codon 460 of the COL7A1 protein (p.Val460Met). This variant is not present in population databases (gnomAD no frequency). This variant has not been reported in the literature in individuals affected with COL7A1-related conditions. Advanced modeling of protein sequence and biophysical properties (such as structural, functional, and spatial information, amino acid conservation, physicochemical variation, residue mobility, and thermodynamic stability) performed at Invitae indicates that this missense variant is not expected to disrupt COL7A1 protein function. In summary, the available evidence is currently insufficient to determine the role of this variant in disease. Therefore, it has been classified as a Variant of Uncertain Significance.